The following is an entry in ClinVar:

ClinVar aggregate classification (germline): Uncertain significance. Review status: criteria provided, multiple submitters, no conflicts (2 of 4 stars). 3 submissions from 3 submitters: Uncertain significance (3). Last evaluated 2025-05-14.

Conditions:
Marinesco-Sjögren syndrome (MSS). Also called: Marinesco-SjÃ¶gren syndrome; Marinesco-Sjogren Syndrome. Identifiers: Orphanet 559, MedGen C0024814, MONDO:0009567, OMIM 248800.
Inborn genetic diseases. Identifiers: MedGen C0950123, MeSH D030342.

Allele frequency attached by ClinVar (database versions not stated): gnomAD 0.00003; ExAC 0.00007; gnomAD exomes 0.00007; TOPMed 0.00011; 1000 Genomes Project 0.00020; 1000 Genomes Project 30x 0.00031.
gnomAD v4.1: 108 of 1,614,168 alleles (0.0067%); highest among the groups gnomAD compares: Admixed American, 0.068%; no homozygotes.

Submissions (3):

Ambry Genetics
Classification: Uncertain significance for Inborn genetic diseases. Last evaluated: 2025-05-14. Review status: criteria provided, single submitter. Criteria: Ambry Variant Classification Scheme 2023. Collection method: clinical testing. Allele origin: germline.

Labcorp Genetics (formerly Invitae), Labcorp
Classification: Uncertain significance for Marinesco-Sjögren syndrome. Last evaluated: 2024-11-11. Review status: criteria provided, single submitter. Criteria: Invitae Variant Classification Sherloc (09022015). Collection method: clinical testing. Allele origin: germline.
Comment: This sequence change replaces leucine, which is neutral and non-polar, with glutamine, which is neutral and polar, at codon 62 of the SIL1 protein (p.Leu62Gln). This variant is present in population databases (rs201261974, gnomAD 0.07%). This variant has not been reported in the literature in individuals affected with SIL1-related conditions. ClinVar contains an entry for this variant (Variation ID: 1432033). Invitae Evidence Modeling of protein sequence and biophysical properties (such as structural, functional, and spatial information, amino acid conservation, physicochemical variation, residue mobility, and thermodynamic stability) indicates that this missense variant is not expected to disrupt SIL1 protein function with a negative predictive value of 80%. In summary, the available evidence is currently insufficient to determine the role of this variant in disease. Therefore, it has been classified as a Variant of Uncertain Significance.

Revvity Omics, Revvity
Classification: Uncertain significance for Marinesco-Sjögren syndrome. Last evaluated: 2022-08-10. Review status: criteria provided, single submitter. Criteria: ACMG Guidelines, 2015. Collection method: clinical testing. Allele origin: germline.

NM_022464.5(SIL1):c.185T>A (p.Leu62Gln)

Gene: SIL1 (SIL1 nucleotide exchange factor; minus strand). Cytogenetic location: 5q31.2.
Variant type: single nucleotide variant.
Coding change: c.185T>A on transcript NM_022464.5 (MANE Select); coding-DNA position 185, T replaced by A.
Protein change: p.Leu62Gln; replaces leucine 62 with glutamine.
Molecular consequence: missense variant.
Genome position (GRCh38, 1-based): chr5:139,121,094, A>T on the plus strand (T>A on the coding strand, the complement: SIL1 is on the minus strand). VCF-style: chr5-139121094-A-T. GRCh37 (hg19) VCF-style: chr5-138456783-A-T.
Other names: c.185T>A (NM_022464.4); c.185T>A, p.Leu62Gln (NM_001037633.2); short protein forms L62Q.
Identifiers: ClinVar variation 1432033 (VCV001432033.9), dbSNP rs201261974, ClinGen allele CA3432668.